The following is an entry in ClinVar:

ClinVar aggregate classification (germline): Uncertain significance (1 of 4 stars; one submission).

Conditions:
Genitopatellar syndrome (GTPTS). Also called: Genitopatellar syndrome (GPS); ABSENT PATELLAE, SCROTAL HYPOPLASIA, RENAL ANOMALIES, FACIAL DYSMORPHISM, AND MENTAL RETARDATION. Identifiers: Orphanet 85201, MedGen C1853566, MONDO:0011640, OMIM 606170.

Submission:

Labcorp Genetics (formerly Invitae), Labcorp
Classification: Uncertain significance for Genitopatellar syndrome. Last evaluated: 2022-07-08. Review status: criteria provided, single submitter. Criteria: Invitae Variant Classification Sherloc (09022015). Collection method: clinical testing. Allele origin: germline.
Comment: In summary, the available evidence is currently insufficient to determine the role of this variant in disease. Therefore, it has been classified as a Variant of Uncertain Significance. Algorithms developed to predict the effect of missense changes on protein structure and function (SIFT, PolyPhen-2, Align-GVGD) all suggest that this variant is likely to be tolerated. This variant has not been reported in the literature in individuals affected with KAT6B-related conditions. This variant is not present in population databases (gnomAD no frequency). This sequence change replaces arginine, which is basic and polar, with lysine, which is basic and polar, at codon 1167 of the KAT6B protein (p.Arg1167Lys).

NM_012330.4(KAT6B):c.3500G>A (p.Arg1167Lys)

Gene: KAT6B (lysine acetyltransferase 6B; plus strand). Cytogenetic location: 10q22.2.
Variant type: single nucleotide variant.
Coding change: c.3500G>A on transcript NM_012330.4 (MANE Select); coding-DNA position 3500, G replaced by A.
Protein change: p.Arg1167Lys; replaces arginine 1167 with lysine.
Molecular consequence: missense variant.
Genome position (GRCh38, 1-based): chr10:75,025,085, G>A. VCF-style: chr10-75025085-G-A. GRCh37 (hg19) VCF-style: chr10-76784843-G-A.
Other names: c.2951G>A, p.Arg984Lys (NM_001256468.2, NM_001370138.1); c.2624G>A, p.Arg875Lys (NM_001256469.2, NM_001370139.1, NM_001370140.1 and 2 more transcripts); c.2462G>A, p.Arg821Lys (NM_001370132.1); c.1811G>A, p.Arg604Lys (NM_001370133.1); c.1415G>A, p.Arg472Lys (NM_001370134.1); c.1157G>A, p.Arg386Lys (NM_001370135.1); c.3500G>A, p.Arg1167Lys (NM_001370136.1, NM_001370137.1); c.2435G>A, p.Arg812Lys (NM_001370143.1, NM_001370144.1); short protein forms R386K, R472K, R812K, R821K, R875K, R984K, R1167K, R604K.
Identifiers: ClinVar variation 1924785 (VCV001924785.5), dbSNP rs1845717740, ClinGen allele CA377287787.